The following is an entry in ClinVar:

ClinVar aggregate classification (germline): Pathogenic. Review status: reviewed by expert panel (3 of 4 stars). 10 submissions from 10 submitters: Pathogenic (1). 9 of the submissions do not count toward it. Last evaluated 2016-09-08.

Conditions:
Hereditary breast ovarian cancer syndrome. Also called: Hereditary breast and ovarian cancer syndrome; Hereditary breast and ovarian cancer; Hereditary breast and ovarian cancer syndrome (HBOC); Breast and ovarian cancer; Hereditary breast and/or ovarian cancer syndrome; BRCA1- and BRCA2-Associated Hereditary Breast and Ovarian Cancer. Identifiers: Orphanet 145, MedGen C0677776, MeSH D061325, MONDO:0003582. Disease mechanism: loss of function.
Hereditary cancer-predisposing syndrome. Also called: Neoplastic Syndromes, Hereditary; Tumor predisposition; Hereditary neoplastic syndrome; Hereditary Cancer Syndrome. Identifiers: Orphanet 140162, MedGen C0027672, MeSH D009386, MONDO:0015356.
Breast neoplasm. Also called: Neoplasm of breast; Breast tumor; Neoplasm of the breast; Breast Neoplasms. Identifiers: MedGen C1458155, MeSH D001943, MONDO:0021100, HP:0100013. Disease mechanism: gain of function.
Breast-ovarian cancer, familial, susceptibility to, 2 (BROVCA2). Also called: BRCA2 Hereditary Breast and Ovarian Cancer. Identifiers: Orphanet 145, MedGen C2675520, MONDO:0012933, OMIM 612555. Disease mechanism: loss of function.

Submissions (10):

Evidence-based Network for the Interpretation of Germline Mutant Alleles (ENIGMA)
Classification: Pathogenic for Breast-ovarian cancer, familial, susceptibility to, 2. Last evaluated: 2016-09-08. Review status: reviewed by expert panel. Criteria: ENIGMA BRCA1/2 Classification Criteria (2015). Collection method: curation. Allele origin: germline.
Comment: Variant allele predicted to encode a truncated non-functional protein.

Molecular Pathology, Peter Maccallum Cancer Centre
Classification: Pathogenic for Breast-ovarian cancer, familial, susceptibility to, 2. Last evaluated: 2024-11-11. Review status: criteria provided, single submitter. Criteria: ACMG Guidelines, 2015. Collection method: clinical testing. Allele origin: germline. Inheritance: Autosomal dominant inheritance. Not counted in ClinVar's aggregate classification.

Ambry Genetics
Classification: Pathogenic for Hereditary cancer-predisposing syndrome. Last evaluated: 2024-09-11. Review status: criteria provided, single submitter. Criteria: Ambry Variant Classification Scheme 2023. Collection method: clinical testing. Allele origin: germline. Not counted in ClinVar's aggregate classification.
Comment: The p.K3161* pathogenic mutation (also known as c.9481A>T), located in coding exon 24 of the BRCA2 gene, results from an A to T substitution at nucleotide position 9481. This changes the amino acid from a lysine to a stop codon within coding exon 24. This alteration has been reported in breast and prostate cancer patients (Silva FC et al. BMC Med Genet, 2014 May;15:55; Patel VL et al. Cancer Res, 2020 Feb;80:624-638; Nyberg T et al. Eur Urol, 2020 Oct;78:494-497; Figlioli G et al. Cancers (Basel), 2021 Jan;13:; Solano AR et al. Cancers (Basel), 2021 May;13:). This alteration was nonfunctional in a mouse embryonic stem cell (mESC)-based functional assay (Biswas K et al. Cell Rep Methods, 2023 Nov;3:100628). This variant is considered to be rare based on population cohorts in the Genome Aggregation Database (gnomAD). In addition to the clinical data presented in the literature, this alteration is expected to result in loss of function by premature protein truncation or nonsense-mediated mRNA decay. As such, this alteration is interpreted as a disease-causing mutation.

Labcorp Genetics (formerly Invitae), Labcorp
Classification: Pathogenic for Hereditary breast ovarian cancer syndrome. Last evaluated: 2023-05-21. Review status: criteria provided, single submitter. Criteria: Invitae Variant Classification Sherloc (09022015). Collection method: clinical testing. Allele origin: germline. Not counted in ClinVar's aggregate classification.
Comment: For these reasons, this variant has been classified as Pathogenic. ClinVar contains an entry for this variant (Variation ID: 52848). This premature translational stop signal has been observed in individual(s) with breast and/or ovarian cancer (PMID: 24884479, 29446198). This variant is not present in population databases (gnomAD no frequency). This sequence change creates a premature translational stop signal (p.Lys3161*) in the BRCA2 gene. It is expected to result in an absent or disrupted protein product. Loss-of-function variants in BRCA2 are known to be pathogenic (PMID: 20104584).

Color Diagnostics, LLC DBA Color Health
Classification: Pathogenic for Hereditary cancer-predisposing syndrome. Last evaluated: 2022-09-26. Review status: criteria provided, single submitter. Criteria: ACMG Guidelines, 2015. Collection method: clinical testing. Allele origin: germline. Not counted in ClinVar's aggregate classification.
Comment: This variant changes 1 nucleotide in exon 25 of the BRCA2 gene, creating a premature translation stop signal. This variant is also known in the literature as 9709A>T. This variant is expected to result in an absent or non-functional protein product. This variant has not been identified in the general population by the Genome Aggregation Database (gnomAD). Loss of BRCA2 function is a known mechanism of disease. Based on the available evidence, this variant is classified as Pathogenic.

Quest Diagnostics Nichols Institute San Juan Capistrano
Classification: Pathogenic. Last evaluated: 2022-09-06. Review status: criteria provided, single submitter. Criteria: Quest Diagnostics criteria. Collection method: clinical testing. Allele origin: unknown. Not counted in ClinVar's aggregate classification.
Comment: This nonsense variant causes the premature termination of BRCA2 protein synthesis. This variant has not been reported in large, multi-ethnic general populations. In the published literature, the variant has been reported in individuals with breast cancer (PMID: 24884479 (2014)) and in individuals from a large breast cancer association study (PMID: 29446198 (2018)). Based on the available information, this variant is classified as pathogenic.

Consortium of Investigators of Modifiers of BRCA1/2 (CIMBA), c/o University of Cambridge
Classification: Pathogenic for Breast-ovarian cancer, familial, susceptibility to, 2. Last evaluated: 2015-10-02. Review status: criteria provided, single submitter. Criteria: CIMBA Mutation Classification guidelines May 2016. Collection method: clinical testing. Allele origin: germline. Not counted in ClinVar's aggregate classification.

Clinical and Functional Genomics Group, A.C.Camargo Cancer Center
Classification: Pathogenic for Breast Cancer. Review status: criteria provided, single submitter. Criteria: Silva et al. (BMC Med Genet. 2014). Collection method: research. Allele origin: germline. Affected: yes. Not counted in ClinVar's aggregate classification.

Research Molecular Genetics Laboratory, Women's College Hospital, University of Toronto
Classification: Pathogenic for Hereditary breast ovarian cancer syndrome. Last evaluated: 2014-01-31. Review status: no assertion criteria provided. Collection method: research. Allele origin: germline. Affected: yes. Study: The Canadian Open Genetics Repository (COGR). Not counted in ClinVar's aggregate classification.

Breast Cancer Information Core (BIC) (BRCA2)
Classification: Pathogenic for Breast-ovarian cancer, familial 2. Last evaluated: 1999-06-22. Review status: no assertion criteria provided. Collection method: clinical testing. Allele origin: germline. Affected: yes. Observed: 3 variant alleles. Not counted in ClinVar's aggregate classification.

Literature cited by the submitters: PubMed 24884479 (cited by 4 submitters); PubMed 31723001 (cited by Ambry Genetics); PubMed 32532514 (cited by Ambry Genetics); PubMed 33573335 (cited by Ambry Genetics); PubMed 34072659 (cited by Ambry Genetics and Color Diagnostics, LLC DBA Color Health); PubMed 37922907 (cited by Ambry Genetics); PubMed 29446198 (cited by 3 submitters); PubMed 20104584 (cited by Labcorp Genetics (formerly Invitae), Labcorp); PubMed 34100114 (cited by Color Diagnostics, LLC DBA Color Health); PubMed 23469205 (cited by Clinical and Functional Genomics Group, A.C.Camargo Cancer Center).

NM_000059.4(BRCA2):c.9481A>T (p.Lys3161Ter)

Gene: BRCA2 (BRCA2 DNA repair associated; plus strand). Cytogenetic location: 13q13.1.
Variant type: single nucleotide variant.
Coding change: c.9481A>T on transcript NM_000059.4 (MANE Select); coding-DNA position 9481, A replaced by T.
Protein change: p.Lys3161Ter; replaces lysine 3161 with a stop codon.
Molecular consequence: nonsense.
Genome position (GRCh38, 1-based): chr13:32,394,913, A>T. VCF-style: chr13-32394913-A-T. GRCh37 (hg19) VCF-style: chr13-32969050-A-T.
Other names: short protein forms K3161*.
Identifiers: ClinVar variation 52848 (VCV000052848.17), dbSNP rs80359222, ClinGen allele CA026175.